The following is an entry in ClinVar:

ClinVar aggregate classification (germline): Benign (1 of 4 stars; one submission).

Allele frequency attached by ClinVar (database versions not stated): gnomAD exomes 0.04717; 1000 Genomes Project 0.05371; 1000 Genomes Project 30x 0.05512; TOPMed 0.06230; gnomAD 0.06361 and 0.06530.
gnomAD v4.1: 15,405 of 272,814 alleles (5.6%); highest among the groups gnomAD compares: African/African-American, 9.4%; 534 homozygotes.

Submission:

GeneDx
Classification: Benign. Last evaluated: 2018-06-18. Review status: criteria provided, single submitter. Criteria: GeneDx Variant Classification (06012015). Collection method: clinical testing. Allele origin: germline. Affected: yes.
Comment: This variant is considered likely benign or benign based on one or more of the following criteria: it is a conservative change, it occurs at a poorly conserved position in the protein, it is predicted to be benign by multiple in silico algorithms, and/or has population frequency not consistent with disease.

NM_001127222.2(CACNA1A):c.3823-295G>T

Gene: CACNA1A (calcium voltage-gated channel subunit alpha1 A; minus strand). Cytogenetic location: 19p13.13.
Variant type: single nucleotide variant.
Coding change: c.3823-295G>T on transcript NM_001127222.2 (MANE Select); 295 bases into the intron before coding-DNA position 3823, G replaced by T.
Molecular consequence: intron variant.
Genome position (GRCh38, 1-based): chr19:13,277,423, C>A on the plus strand (G>T on the coding strand, the complement: CACNA1A is on the minus strand). VCF-style: chr19-13277423-C-A. GRCh37 (hg19) VCF-style: chr19-13388237-C-A.
Other names: c.3826-295G>T (NM_001127221.2, NM_001174080.2); c.3835-295G>T (NM_000068.4, NM_023035.3).
Identifiers: ClinVar variation 668783 (VCV000668783.1), dbSNP rs16978961, ClinGen allele CA14655129.
Genomic context (GRCh38, chr19:13,277,423, plus strand): 5'-AAAAAATCACTGTACTAGGCCAGTTCGCTAACCCACGGGAAGGGTACCTTTTAAAATTTG[C>A]CCCAAGCCCTGTAGTGGATTAGAAGCGGCCCCAGAGAAGTTCAGGGCTGACTGTATCCTT-3'